The following is an entry in ClinVar:

NM_001288705.3(CSF1R):c.2535C>G (p.Leu845=)

Gene: CSF1R (colony stimulating factor 1 receptor; minus strand). Cytogenetic location: 5q32.
Variant type: single nucleotide variant.
Coding change: c.2535C>G on transcript NM_001288705.3 (MANE Select); coding-DNA position 2535, C replaced by G.
Protein change: p.Leu845=; no amino-acid change (leucine 845 retained).
Molecular consequence: synonymous variant. On other transcripts: non-coding transcript variant (2).
Genome position (GRCh38, 1-based): chr5:150,056,045, G>C on the plus strand (C>G on the coding strand, the complement: CSF1R is on the minus strand). VCF-style: chr5-150056045-G-C. GRCh37 (hg19) VCF-style: chr5-149435608-G-C.
Other names: p.Leu845=; c.2535C>G, p.Leu845= (NM_001349736.2, NM_001375320.1, NM_005211.4); c.2091C>G, p.Leu697= (NM_001375321.1).
Identifiers: ClinVar variation 352132 (VCV000352132.18), dbSNP rs56327604, ClinGen allele CA3506416.

ClinVar aggregate classification (germline): Benign/Likely benign. Review status: criteria provided, multiple submitters, no conflicts (2 of 4 stars). 7 submissions from 7 submitters: Benign (4); Likely benign (1). 2 of the submissions do not count toward it. Last evaluated 2026-02-02.

Conditions:
Hereditary diffuse leukoencephalopathy with spheroids. Also called: LEUKOENCEPHALOPATHY, ADULT-ONSET, WITH AXONAL SPHEROIDS AND PIGMENTED GLIA. Identifiers: Orphanet 313808, MedGen C3711381, MONDO:0030796.

Allele frequency attached by ClinVar (database versions not stated): 1000 Genomes Project 0.01258; 1000 Genomes Project 30x 0.01421; TOPMed 0.02820; gnomAD 0.03074 and 0.03157; ESP Exome Variant Server 0.03076; gnomAD exomes 0.03102 and 0.04043; ExAC 0.03271.
gnomAD v4.1: 63,438 of 1,614,122 alleles (3.9%); highest among the groups gnomAD compares: Non-Finnish European, 4.7%; 1,530 homozygotes.

Submissions (7):

Labcorp Genetics (formerly Invitae), Labcorp
Classification: Benign. Last evaluated: 2026-02-02. Review status: criteria provided, single submitter. Criteria: Invitae Variant Classification Sherloc (09022015). Collection method: clinical testing. Allele origin: germline.

Blueprint Genetics
Classification: Likely benign. Last evaluated: 2024-11-25. Review status: criteria provided, single submitter. Criteria: ACMG Guidelines, 2015. Collection method: clinical testing. Allele origin: germline.

Mayo Clinic Laboratories, Mayo Clinic
Classification: Benign. Last evaluated: 2023-02-23. Review status: criteria provided, single submitter. Criteria: ACMG Guidelines, 2015. Collection method: clinical testing. Allele origin: germline. Observed: 101 variant alleles.
Comment: BS1, BS2, BP4, BP7

Illumina Laboratory Services, Illumina
Classification: Benign for Leukoencephalopathy, diffuse hereditary, with spheroids 1. Last evaluated: 2018-01-13. Review status: criteria provided, single submitter. Criteria: ICSL Variant Classification Criteria 13 December 2019. Collection method: clinical testing. Allele origin: germline.
Comment: This variant was observed in the ICSL laboratory as part of a predisposition screen in an ostensibly healthy population. It had not been previously curated by ICSL or reported in the Human Gene Mutation Database (HGMD: prior to June 1st, 2018), and was therefore a candidate for classification through an automated scoring system. Utilizing variant allele frequency, disease prevalence and penetrance estimates, and inheritance mode, an automated score was calculated to assess if this variant is too frequent to cause the disease. Based on the score and internal cut-off values, a variant classified as benign is not then subjected to further curation. The score for this variant resulted in a classification of benign for this disease.

Clinical Genetics DNA and cytogenetics Diagnostics Lab, Erasmus MC, Erasmus Medical Center
Classification: Benign for Leukoencephalopathy, diffuse hereditary, with spheroids 1. Last evaluated: 2017-06-28. Review status: criteria provided, single submitter. Criteria: ACGS Guidelines, 2013. Collection method: clinical testing. Allele origin: germline. Affected: yes. Study: VKGL Data-share Consensus.

Genome Diagnostics Laboratory, Amsterdam University Medical Center
Classification: Benign for Leukoencephalopathy, diffuse hereditary, with spheroids 1. Last evaluated: 2015-04-21. Review status: no assertion criteria provided. Criteria: ACGS Guidelines, 2013. Collection method: clinical testing. Allele origin: germline. Affected: yes. Study: VKGL Data-share Consensus. Not counted in ClinVar's aggregate classification.

Laboratory of Diagnostic Genome Analysis, Leiden University Medical Center (LUMC)
Classification: Likely benign. Review status: no assertion criteria provided. Collection method: clinical testing. Allele origin: germline. Affected: yes. Study: VKGL Data-share Consensus. Not counted in ClinVar's aggregate classification.

Literature cited by the submitters: PubMed 26018837 (cited by Mayo Clinic Laboratories, Mayo Clinic).